The following is an entry in ClinVar:

NM_016222.4(DDX41):c.298+4G>T

Gene: DDX41 (DEAD-box helicase 41; minus strand). Cytogenetic location: 5q35.3.
Variant type: single nucleotide variant.
Coding change: c.298+4G>T on transcript NM_016222.4 (MANE Select); 4 bases into the intron after coding-DNA position 298, G replaced by T.
Molecular consequence: intron variant.
Genome position (GRCh38, 1-based): chr5:177,516,284, C>A on the plus strand (G>T on the coding strand, the complement: DDX41 is on the minus strand). VCF-style: chr5-177516284-C-A. GRCh37 (hg19) VCF-style: chr5-176943285-C-A.
Other names: c.-81+4G>T (NM_001321830.2, NM_001321732.2).
Identifiers: ClinVar variation 5035167 (VCV005035167.1).
Genomic context (GRCh38, chr5:177,516,284, plus strand): 5'-ATACCAAAACGGTGTACCAGGCTCAGCTTCTTCTTTCTCGCCCAGGCAGTGCTGCCCAGC[C>A]CACCTTCAGCCTTCTCTTTAAGGTGCTGGTGCTGATCCAGGAGGCTGACGTTGGACTGAG-3'

ClinVar aggregate classification (germline): Uncertain significance (1 of 4 stars; one submission).

Conditions:
Inborn genetic diseases. Identifiers: MedGen C0950123, MeSH D030342.

Submission:

Ambry Genetics
Classification: Uncertain significance for Inborn genetic diseases. Last evaluated: 2026-08-19. Review status: criteria provided, single submitter. Criteria: Ambry Variant Classification Scheme 2023. Collection method: clinical testing. Allele origin: germline.
Comment: The c.298+4G>T intronic variant results from a G to T substitution 4 nucleotides after coding exon 3 in the DDX41 gene. This nucleotide position is not well conserved in available vertebrate species. In silico splice site analysis predicts that this alteration will not have any significant effect on splicing. Based on the available evidence, the clinical significance of this variant remains unclear.